The following is an entry in ClinVar:

NM_000179.3(MSH6):c.1000A>G (p.Lys334Glu)

Gene: MSH6 (mutS homolog 6; plus strand). Cytogenetic location: 2p16.3.
Variant type: single nucleotide variant.
Coding change: c.1000A>G on transcript NM_000179.3 (MANE Select); coding-DNA position 1000, A replaced by G.
Protein change: p.Lys334Glu; replaces lysine 334 with glutamic acid.
Molecular consequence: missense variant.
Genome position (GRCh38, 1-based): chr2:47,798,983, A>G. VCF-style: chr2-47798983-A-G. GRCh37 (hg19) VCF-style: chr2-48026122-A-G.
Other names: c.610A>G, p.Lys204Glu (NM_001281492.2); c.94A>G, p.Lys32Glu (NM_001281493.2, NM_001281494.2, NM_001406811.1 and 6 more transcripts); c.1096A>G, p.Lys366Glu (NM_001406795.1, NM_001406802.1); c.1000A>G, p.Lys334Glu (NM_001406796.1, NM_001406798.1, NM_001406800.1 and 4 more transcripts); c.703A>G, p.Lys235Glu (NM_001406797.1, NM_001406801.1, NM_001406805.1 and 10 more transcripts); c.475A>G, p.Lys159Glu (NM_001406799.1, NM_001406806.1, NM_001406807.1); c.922A>G, p.Lys308Glu (NM_001406804.1); c.1006A>G, p.Lys336Glu (NM_001406813.1); and 1 more; short protein forms K278E, K32E, K334E, K366E, K308E, K159E, K204E, K235E.
Identifiers: ClinVar variation 1998699 (VCV001998699.5), dbSNP rs1281919828, ClinGen allele CA346741175.

ClinVar aggregate classification (germline): Uncertain significance. Review status: criteria provided, multiple submitters, no conflicts (2 of 4 stars). 2 submissions from 2 submitters: Uncertain significance (2). Last evaluated 2023-12-25.

Conditions:
Hereditary cancer-predisposing syndrome. Also called: Neoplastic Syndromes, Hereditary; Hereditary neoplastic syndrome; Tumor predisposition; Hereditary Cancer Syndrome. Identifiers: Orphanet 140162, MedGen C0027672, MeSH D009386, MONDO:0015356.
Hereditary nonpolyposis colorectal neoplasms. Identifiers: MedGen C0009405, MeSH D003123.

Allele frequency attached by ClinVar (database versions not stated): gnomAD exomes below 0.00001.
gnomAD v4.1: 1 of 1,614,242 alleles (0.000062%); highest among the groups gnomAD compares: Non-Finnish European, 0.000085%; no homozygotes.

Submissions (2):

Ambry Genetics
Classification: Uncertain significance for Hereditary cancer-predisposing syndrome. Last evaluated: 2023-12-25. Review status: criteria provided, single submitter. Criteria: Ambry Variant Classification Scheme 2023. Collection method: clinical testing. Allele origin: germline.
Comment: The p.K334E variant (also known as c.1000A>G), located in coding exon 4 of the MSH6 gene, results from an A to G substitution at nucleotide position 1000. The lysine at codon 334 is replaced by glutamic acid, an amino acid with similar properties. This amino acid position is highly conserved in available vertebrate species. In addition, the in silico prediction for this alteration is inconclusive. Since supporting evidence is limited at this time, the clinical significance of this alteration remains unclear.

Labcorp Genetics (formerly Invitae), Labcorp
Classification: Uncertain significance for Hereditary nonpolyposis colorectal neoplasms. Last evaluated: 2023-01-11. Review status: criteria provided, single submitter. Criteria: Invitae Variant Classification Sherloc (09022015). Collection method: clinical testing. Allele origin: germline.
Comment: Advanced modeling of protein sequence and biophysical properties (such as structural, functional, and spatial information, amino acid conservation, physicochemical variation, residue mobility, and thermodynamic stability) performed at Invitae indicates that this missense variant is not expected to disrupt MSH6 protein function. In summary, the available evidence is currently insufficient to determine the role of this variant in disease. Therefore, it has been classified as a Variant of Uncertain Significance. This variant has not been reported in the literature in individuals affected with MSH6-related conditions. This variant is not present in population databases (gnomAD no frequency). This sequence change replaces lysine, which is basic and polar, with glutamic acid, which is acidic and polar, at codon 334 of the MSH6 protein (p.Lys334Glu).